The following is an entry in ClinVar:

ClinVar aggregate classification (germline): Uncertain significance (1 of 4 stars; one submission).

Conditions:
Creatine transporter deficiency (CCDS1). Also called: Creatine Transporter (CRTR) Deficiency; Mental retardation , X-linked with seizures, short stature and midface hypoplasia; Mental retardation , X-linked, with creatine transport deficiency; X-linked creatine transporter deficiency; X-linked creatine deficiency syndrome; SLC6A8-Related Creatine Transporter Deficiency. Identifiers: Orphanet 52503, MedGen C1845862, MONDO:0010305, OMIM 300352.

Submission:

Juno Genomics, Hangzhou Juno Genomics, Inc
Classification: Uncertain significance for Creatine transporter deficiency. Review status: criteria provided, single submitter. Criteria: ACMG Guidelines, 2015. Collection method: clinical testing. Allele origin: germline.
Comment: Absent from controls (or at extremely low frequency if recessive) in Genome Aggregation Database.;Multiple lines of computational evidence support a deleterious effect on the gene or gene product.

NM_005629.4(SLC6A8):c.1613A>G (p.Asn538Ser)

Gene: SLC6A8 (solute carrier family 6 member 8; plus strand). Cytogenetic location: Xq28.
Variant type: single nucleotide variant.
Coding change: c.1613A>G on transcript NM_005629.4 (MANE Select); coding-DNA position 1613, A replaced by G.
Protein change: p.Asn538Ser; replaces asparagine 538 with serine.
Molecular consequence: missense variant.
Genome position (GRCh38, 1-based): chrX:153,694,735, A>G. VCF-style: chrX-153694735-A-G. GRCh37 (hg19) VCF-style: chrX-152960190-A-G.
Other names: c.1583A>G, p.Asn528Ser (NM_001142805.2); c.1268A>G, p.Asn423Ser (NM_001142806.1); short protein forms N423S, N528S, N538S.
Identifiers: ClinVar variation 5007519 (VCV005007519.2).